The following is an entry in ClinVar:

NM_198578.4(LRRK2):c.119A>G (p.Glu40Gly)

Gene: LRRK2 (leucine rich repeat kinase 2; plus strand). Cytogenetic location: 12q12.
Variant type: single nucleotide variant.
Coding change: c.119A>G on transcript NM_198578.4 (MANE Select); coding-DNA position 119, A replaced by G.
Protein change: p.Glu40Gly; replaces glutamic acid 40 with glycine.
Molecular consequence: missense variant.
Genome position (GRCh38, 1-based): chr12:40,225,250, A>G. VCF-style: chr12-40225250-A-G. GRCh37 (hg19) VCF-style: chr12-40619052-A-G.
Other names: short protein forms E40G.
Identifiers: ClinVar variation 1746791 (VCV001746791.3), dbSNP rs2499330993, ClinGen allele CA384398642.

ClinVar aggregate classification (germline): Uncertain significance (1 of 4 stars; one submission).

Conditions:
Inborn genetic diseases. Identifiers: MedGen C0950123, MeSH D030342.

Allele frequency attached by ClinVar (database versions not stated): gnomAD exomes below 0.00001.
gnomAD v4.1: 4 of 1,614,166 alleles (0.00025%); highest among the groups gnomAD compares: Non-Finnish European, 0.00034%; no homozygotes.

Submission:

Ambry Genetics
Classification: Uncertain significance for Inborn genetic diseases. Last evaluated: 2023-08-26. Review status: criteria provided, single submitter. Criteria: Ambry Variant Classification Scheme 2023. Collection method: clinical testing. Allele origin: germline.
Comment: The p.E40G variant (also known as c.119A>G), located in coding exon 1 of the LRRK2 gene, results from an A to G substitution at nucleotide position 119. The glutamic acid at codon 40 is replaced by glycine, an amino acid with similar properties. This amino acid position is conserved. In addition, the in silico prediction for this alteration is inconclusive. Since supporting evidence is limited at this time, the clinical significance of this alteration remains unclear.